The following is an entry in ClinVar:

ClinVar aggregate classification (germline): Likely benign (1 of 4 stars; one submission).

Allele frequency attached by ClinVar (database versions not stated): TOPMed below 0.00001 and 0.00001; gnomAD 0.00003.

Submission:

GeneDx
Classification: Likely benign. Last evaluated: 2017-03-06. Review status: criteria provided, single submitter. Criteria: GeneDx Variant Classification (06012015). Collection method: clinical testing. Allele origin: germline. Affected: yes.
Comment: This variant is considered likely benign or benign based on one or more of the following criteria: it is a conservative change, it occurs at a poorly conserved position in the protein, it is predicted to be benign by multiple in silico algorithms, and/or has population frequency not consistent with disease.

NM_001330078.2(NRXN1):c.-919G>C

Gene: NRXN1 (neurexin 1; minus strand). Cytogenetic location: 2p16.3.
Variant type: single nucleotide variant.
Coding change: c.-919G>C on transcript NM_001330078.2 (MANE Select); 919 bases upstream of the start codon, G replaced by C.
Molecular consequence: 5 prime UTR variant.
Genome position (GRCh38, 1-based): chr2:51,029,192, C>G on the plus strand (G>C on the coding strand, the complement: NRXN1 is on the minus strand). VCF-style: chr2-51029192-C-G. GRCh37 (hg19) VCF-style: chr2-51256330-C-G.
Other names: c.-919G>C (NM_001135659.3, NM_001330077.2, NM_001330079.2 and 15 more transcripts).
Identifiers: ClinVar variation 507789 (VCV000507789.1), dbSNP rs1341735881, ClinGen allele CA532659999.